The following is an entry in ClinVar:

NM_003741.4(CHRD):c.591C>G (p.Arg197=)

Gene: CHRD (chordin; plus strand). Cytogenetic location: 3q27.1.
Variant type: single nucleotide variant.
Coding change: c.591C>G on transcript NM_003741.4 (MANE Select); coding-DNA position 591, C replaced by G.
Protein change: p.Arg197=; no amino-acid change (arginine 197 retained).
Molecular consequence: synonymous variant. On other transcripts: 5 prime UTR variant (2), non-coding transcript variant (1).
Genome position (GRCh38, 1-based): chr3:184,381,795, C>G. VCF-style: chr3-184381795-C-G. GRCh37 (hg19) VCF-style: chr3-184099583-C-G.
Other names: c.591C>G, p.Arg197= (NM_001304472.2); c.-491C>G (NM_001304473.2, NM_001304474.2).
Identifiers: ClinVar variation 2654325 (VCV002654325.24), dbSNP rs183955348, ClinGen allele CA2735314.

ClinVar aggregate classification (germline): Likely benign (1 of 4 stars; one submission).

Allele frequency attached by ClinVar (database versions not stated): gnomAD 0.00003; gnomAD exomes 0.00003; ExAC 0.00010; TOPMed 0.00013; 1000 Genomes Project 30x 0.00016; 1000 Genomes Project 0.00020.

Submission:

CeGaT Center for Human Genetics Tuebingen
Classification: Likely benign. Last evaluated: 2022-07-01. Review status: criteria provided, single submitter. Criteria: CeGaT Center For Human Genetics Tuebingen Variant Classification Criteria Version 2. Collection method: clinical testing. Allele origin: germline. Affected: yes. Observed: 1 variant allele.
Comment: CHRD: BP4, BP7